The following is an entry in ClinVar:

NM_019892.6(INPP5E):c.1375C>T (p.Arg459Cys)

Gene: INPP5E (inositol polyphosphate-5-phosphatase E; minus strand). Cytogenetic location: 9q34.3.
Variant type: single nucleotide variant.
Coding change: c.1375C>T on transcript NM_019892.6 (MANE Select); coding-DNA position 1375, C replaced by T.
Protein change: p.Arg459Cys; replaces arginine 459 with cysteine.
Molecular consequence: missense variant.
Genome position (GRCh38, 1-based): chr9:136,432,491, G>A on the plus strand (C>T on the coding strand, the complement: INPP5E is on the minus strand). VCF-style: chr9-136432491-G-A. GRCh37 (hg19) VCF-style: chr9-139326943-G-A.
Other names: c.1375C>T (NM_019892.5); c.1372C>T, p.Arg458Cys (NM_001318502.2); short protein forms R458C, R459C.
Identifiers: ClinVar variation 1041098 (VCV001041098.9), dbSNP rs1042895970, ClinGen allele CA201642155.
Genomic context (GRCh38, chr9:136,432,491, plus strand): 5'-TGTGCGAACCACGGCGGCACCACCCACACGCAGCGTGGACGCCCTCACCTGCGCTGGAGC[G>A]ATAGGGGTTGGTGTCGGGCACATTTCTGGGCAGGACCAGGGCTTGTACAGTCCTGGTGTA-3'
Protein context (NP_063945.2, residues 449-469): PRNVPDTNPY[Arg459Cys]SSAADVTTRF

ClinVar aggregate classification (germline): Uncertain significance. Review status: criteria provided, multiple submitters, no conflicts (2 of 4 stars). 3 submissions from 3 submitters: Uncertain significance (2). 1 of the submissions does not count toward it. Last evaluated 2022-02-04.

Conditions:
INPP5E-related disorder. Also called: INPP5E-related condition.
Joubert syndrome. Also called: Familial aplasia of the vermis; JOUBERT-BOLTSHAUSER SYNDROME. Identifiers: Orphanet 475, MedGen C5979921, MONDO:0018772.

Allele frequency attached by ClinVar (database versions not stated): gnomAD 0.00001; gnomAD exomes 0.00002 and 0.00004; TOPMed 0.00002.

Submissions (3):

Labcorp Genetics (formerly Invitae), Labcorp
Classification: Uncertain significance for Joubert syndrome. Last evaluated: 2022-02-04. Review status: criteria provided, single submitter. Criteria: Invitae Variant Classification Sherloc (09022015). Collection method: clinical testing. Allele origin: germline.
Comment: This sequence change replaces arginine, which is basic and polar, with cysteine, which is neutral and slightly polar, at codon 459 of the INPP5E protein (p.Arg459Cys). In summary, the available evidence is currently insufficient to determine the role of this variant in disease. Therefore, it has been classified as a Variant of Uncertain Significance. Advanced modeling of protein sequence and biophysical properties (such as structural, functional, and spatial information, amino acid conservation, physicochemical variation, residue mobility, and thermodynamic stability) performed at Invitae indicates that this missense variant is expected to disrupt INPP5E protein function. ClinVar contains an entry for this variant (Variation ID: 1041098). This variant has not been reported in the literature in individuals affected with INPP5E-related conditions. The frequency data for this variant in the population databases is considered unreliable, as metrics indicate poor data quality at this position in the gnomAD database.

Blueprint Genetics
Classification: Uncertain significance. Last evaluated: 2018-07-17. Review status: criteria provided, single submitter. Criteria: ACMG Guidelines, 2015. Collection method: clinical testing. Allele origin: germline.

PreventionGenetics, part of Exact Sciences
Classification: Uncertain significance for INPP5E-related condition. Last evaluated: 2024-05-28. Review status: no assertion criteria provided. Collection method: clinical testing. Allele origin: germline. Not counted in ClinVar's aggregate classification.
Comment: The INPP5E c.1375C>T variant is predicted to result in the amino acid substitution p.Arg459Cys. This variant has been reported in the heterozygous state in an individual with vascular malformations, enlarged kidney and macrodactyly; however, this individual also carries de novo variants in two other genes (Table S3A, Salfati et al 2019. PubMed ID: 31847883). This variant is reported in 0.0087% of alleles in individuals of South Asian descent in gnomAD. At this time, the clinical significance of this variant is uncertain due to the absence of conclusive functional and genetic evidence.